The following is an entry in ClinVar:

ClinVar aggregate classification (germline): Uncertain significance (1 of 4 stars; one submission).

Conditions:
KIF14-related disorder. Also called: KIF14-related condition.

Submission:

PreventionGenetics, part of Exact Sciences
Classification: Uncertain significance for KIF14-related condition. Last evaluated: 2025-06-17. Review status: criteria provided, single submitter. Criteria: ACMG Guidelines, 2015. Collection method: clinical testing. Allele origin: germline.
Comment: The KIF14 c.3637A>G variant is predicted to result in the amino acid substitution p.Asn1213Asp. To our knowledge, this variant has not been reported in the literature or in a large population database (gnomAD), indicating this variant is rare. At this time, the clinical significance of this variant is uncertain due to the absence of conclusive functional and genetic evidence.

NM_014875.3(KIF14):c.3637A>G (p.Asn1213Asp)

Gene: KIF14 (kinesin family member 14; minus strand). Cytogenetic location: 1q32.1.
Variant type: single nucleotide variant.
Coding change: c.3637A>G on transcript NM_014875.3 (MANE Select); coding-DNA position 3637, A replaced by G.
Protein change: p.Asn1213Asp; replaces asparagine 1213 with aspartic acid.
Molecular consequence: missense variant.
Genome position (GRCh38, 1-based): chr1:200,569,935, T>C on the plus strand (A>G on the coding strand, the complement: KIF14 is on the minus strand). VCF-style: chr1-200569935-T-C. GRCh37 (hg19) VCF-style: chr1-200539063-T-C.
Other names: c.2164A>G, p.Asn722Asp (NM_001305792.1); short protein forms N722D, N1213D.
Identifiers: ClinVar variation 5001240 (VCV005001240.1).
Genomic context (GRCh38, chr1:200,569,935, plus strand): 5'-TTTCTCGCCATAGAGAAAATGTGAAGAAAAAAATACCTGATGAATGTGAAGAATGCAAAT[T>C]CTTAATTGGATGGACTTGTATGTCATGTAAACAACCAGAAATTCTTCTGTTCTTCATCAA-3'
Protein context (NP_055690.1, residues 1203-1223): LHDIQVHPIK[Asn1213Asp]LHSSHSSGLM